The following is an entry in ClinVar:

NM_006662.3(SRCAP):c.8645C>T (p.Ser2882Leu)

Gene: SRCAP (Snf2 related CREBBP activator protein; plus strand). Cytogenetic location: 16p11.2.
Variant type: single nucleotide variant.
Coding change: c.8645C>T on transcript NM_006662.3 (MANE Select); coding-DNA position 8645, C replaced by T.
Protein change: p.Ser2882Leu; replaces serine 2882 with leucine.
Molecular consequence: missense variant.
Genome position (GRCh38, 1-based): chr16:30,738,685, C>T. VCF-style: chr16-30738685-C-T. GRCh37 (hg19) VCF-style: chr16-30750006-C-T.
Other names: short protein forms S2882L.
Identifiers: ClinVar variation 2064423 (VCV002064423.5), dbSNP rs770457886, ClinGen allele CA8012740.
Genomic context (GRCh38, chr16:30,738,685, plus strand): 5'-GGCCCCCCAAGAAGAACAGGTCTCCAGCAGATGCTGGGAGAGGTGTGGATGAGGCACCCT[C>T]ATCCACCTTGAAGGGAAAAACCAATGGGGCTGACCCAGTCCCTGGGCCTGAGACCCTAAT-3'
Protein context (NP_006653.2, residues 2872-2892): DAGRGVDEAP[Ser2882Leu]STLKGKTNGA

ClinVar aggregate classification (germline): Uncertain significance. Review status: criteria provided, multiple submitters, no conflicts (2 of 4 stars). 2 submissions from 2 submitters: Uncertain significance (2). Last evaluated 2024-06-17.

Conditions:
Developmental delay, hypotonia, musculoskeletal defects, and behavioral abnormalities. Identifiers: MedGen C5562012, MONDO:0859202, OMIM 619595.
Floating-Harbor syndrome (FLHS). Also called: Short stature with delayed bone age, expressive language delay, a triangular face with a prominent nose and deep-set eyes; Pelletier-Leisti syndrome; SRCAP-Related Floating-Harbor Syndrome. Identifiers: Orphanet 2044, MedGen C0729582, MONDO:0007621, OMIM 136140.

Allele frequency attached by ClinVar (database versions not stated): TOPMed 0.00001; gnomAD exomes below 0.00001; ExAC 0.00001.
gnomAD v4.1: 4 of 1,613,976 alleles (0.00025%); highest among the groups gnomAD compares: Admixed American, 0.0017%; no homozygotes.

Submissions (2):

Fulgent Genetics
Classification: Uncertain significance for Floating-Harbor syndrome; Developmental delay, hypotonia, musculoskeletal defects, and behavioral abnormalities. Last evaluated: 2024-06-17. Review status: criteria provided, single submitter. Criteria: ACMG Guidelines, 2015. Collection method: clinical testing. Allele origin: germline.

Labcorp Genetics (formerly Invitae), Labcorp
Classification: Uncertain significance. Last evaluated: 2024-01-22. Review status: criteria provided, single submitter. Criteria: Invitae Variant Classification Sherloc (09022015). Collection method: clinical testing. Allele origin: germline.
Comment: This sequence change replaces serine, which is neutral and polar, with leucine, which is neutral and non-polar, at codon 2882 of the SRCAP protein (p.Ser2882Leu). This variant is present in population databases (rs770457886, gnomAD 0.0009%). This variant has not been reported in the literature in individuals affected with SRCAP-related conditions. ClinVar contains an entry for this variant (Variation ID: 2064423). Advanced modeling of protein sequence and biophysical properties (such as structural, functional, and spatial information, amino acid conservation, physicochemical variation, residue mobility, and thermodynamic stability) performed at Invitae indicates that this missense variant is not expected to disrupt SRCAP protein function with a negative predictive value of 80%. In summary, the available evidence is currently insufficient to determine the role of this variant in disease. Therefore, it has been classified as a Variant of Uncertain Significance.